The following is an entry in ClinVar:

ClinVar aggregate classification (germline): Benign/Likely benign. Review status: criteria provided, multiple submitters, no conflicts (2 of 4 stars). 16 submissions from 14 submitters: Benign (8); Likely benign (6). 2 of the submissions do not count toward it. Last evaluated 2026-01-04.

Conditions:
Cardiovascular phenotype. Identifiers: MedGen CN230736.
Ehlers-Danlos syndrome (EDS). Identifiers: Orphanet 98249, MedGen C0013720, MONDO:0020066.
Osteogenesis imperfecta (OI). Identifiers: Orphanet 666, MedGen C0029434, MeSH D010013, MONDO:0019019.
Infantile cortical hyperostosis. Also called: P1PK BLOOD GROUP SYSTEM, P(2) PHENOTYPE; Hyperostosis, Cortical, Congenital; Caffey Disease. Identifiers: Orphanet 1310, MedGen C0020497, MONDO:0007244, OMIM 114000.
Ehlers-Danlos syndrome, arthrochalasia type. Also called: ARTHROCHALASIS MULTIPLEX CONGENITA; EDS VII, MUTANT PROCOLLAGEN TYPE; EDS VIIA; Ehlers-Danlos syndrome, arthrochalasia type, 1; Ehlers-Danlos syndrome, arthrochalasis type. Identifiers: Orphanet 1899, Orphanet 99875, Orphanet 99876, MedGen C4551623, MONDO:0007525, OMIM 130060.
Osteogenesis imperfecta type I (OI1). Also called: Classic Non-deforming Osteogenesis Imperfecta with Blue Sclerae; Lobstein disease; Lobstein's Disease; OI, TYPE I; OSTEOGENESIS IMPERFECTA TARDA; OSTEOGENESIS IMPERFECTA WITH BLUE SCLERAE. Identifiers: Orphanet 216796, Orphanet 666, MedGen C0023931, MONDO:0008146, OMIM 166200. Disease mechanism: loss of function.

Allele frequency attached by ClinVar (database versions not stated): gnomAD 0.00563 and 0.00538; ESP Exome Variant Server 0.00577; TOPMed 0.00631; gnomAD exomes 0.00052 and 0.00137; ExAC 0.00177; 1000 Genomes Project 0.00639; 1000 Genomes Project 30x 0.00718.
gnomAD v4.1: 1,607 of 1,614,176 alleles (0.1%); highest among the groups gnomAD compares: African/African-American, 1.8%; 16 homozygotes.

Submissions (17):

Labcorp Genetics (formerly Invitae), Labcorp
Classification: Benign for Osteogenesis imperfecta type I. Last evaluated: 2026-01-04. Review status: criteria provided, single submitter. Criteria: Invitae Variant Classification Sherloc (09022015). Collection method: clinical testing. Allele origin: germline.

Molecular Diagnostic Laboratory for Inherited Cardiovascular Disease, Montreal Heart Institute
Classification: Benign. Last evaluated: 2025-04-09. Review status: criteria provided, single submitter. Criteria: ACMG Guidelines, 2015. Collection method: clinical testing. Allele origin: germline. Affected: no.
Comment: BS1;BP6;BP7

ARUP Laboratories, Molecular Genetics and Genomics, ARUP Laboratories
Classification: Benign. Last evaluated: 2025-01-24. Review status: criteria provided, single submitter. Criteria: ARUP Molecular Germline Variant Investigation Process 2024. Collection method: clinical testing. Allele origin: germline.

Women's Health and Genetics/Laboratory Corporation of America, LabCorp
Classification: Benign. Last evaluated: 2024-12-06. Review status: criteria provided, single submitter. Criteria: LabCorp Variant Classification Summary - May 2015. Collection method: clinical testing. Allele origin: germline.

Blueprint Genetics
Classification: Likely benign. Last evaluated: 2024-11-25. Review status: criteria provided, single submitter. Criteria: ACMG Guidelines, 2015. Collection method: clinical testing. Allele origin: germline.

Mayo Clinic Laboratories, Mayo Clinic
Classification: Benign. Last evaluated: 2024-08-28. Review status: criteria provided, single submitter. Criteria: ACMG Guidelines, 2015. Collection method: clinical testing. Allele origin: germline. Observed: 9 variant alleles.
Comment: BS1, BS2, BP4, BP7

Genome Diagnostics Laboratory, The Hospital for Sick Children
Classification: Likely benign for Ehlers-Danlos syndrome. Last evaluated: 2019-12-01. Review status: criteria provided, single submitter. Criteria: ACMG Guidelines, 2015. Collection method: clinical testing. Allele origin: germline.

Ambry Genetics
Classification: Benign for Cardiovascular phenotype. Last evaluated: 2019-04-23. Review status: criteria provided, single submitter. Criteria: Ambry Variant Classification Scheme 2023. Collection method: clinical testing. Allele origin: germline.

Illumina Laboratory Services, Illumina
Classification: Likely benign for Infantile cortical hyperostosis. Last evaluated: 2017-04-27. Review status: criteria provided, single submitter. Criteria: ICSL Variant Classification Criteria 13 December 2019. Collection method: clinical testing. Allele origin: germline.
Comment: This variant was observed as part of a predisposition screen in an ostensibly healthy population. A literature search was performed for the gene, cDNA change, and amino acid change (where applicable). No publications were found based on this search. Allele frequency data from public databases allowed determination this variant is unlikely to cause disease. Therefore, this variant is classified as likely benign.

Illumina Laboratory Services, Illumina
Classification: Likely benign for Ehlers-Danlos syndrome, arthrochalasia type. Last evaluated: 2017-04-27. Review status: criteria provided, single submitter. Criteria: ICSL Variant Classification Criteria 13 December 2019. Collection method: clinical testing. Allele origin: germline.
Comment: the same text as in the submission from Illumina Laboratory Services, Illumina above.

Illumina Laboratory Services, Illumina
Classification: Likely benign for Osteogenesis imperfecta. Last evaluated: 2017-04-27. Review status: criteria provided, single submitter. Criteria: ICSL Variant Classification Criteria 13 December 2019. Collection method: clinical testing. Allele origin: germline.
Comment: This variant was observed as part of a predisposition screen in an ostensibly healthy population. A literature search was performed for the gene, cDNA change, and amino acid change (where applicable). Publications were found based on this search. The evidence from the literature, in combination with allele frequency data from public databases where available, was sufficient to determine this variant is unlikely to cause disease. Therefore, this variant is classified as likely benign.

GeneDx
Classification: Benign. Last evaluated: 2017-03-27. Review status: criteria provided, single submitter. Criteria: GeneDx Variant Classification (06012015). Collection method: clinical testing. Allele origin: germline. Affected: yes.
Comment: This variant is considered likely benign or benign based on one or more of the following criteria: it is a conservative change, it occurs at a poorly conserved position in the protein, it is predicted to be benign by multiple in silico algorithms, and/or has population frequency not consistent with disease.

Center for Pediatric Genomic Medicine, Children's Mercy Hospital and Clinics
Classification: Benign. Last evaluated: 2017-01-05. Review status: criteria provided, single submitter. Criteria: ACMG Guidelines, 2015. Collection method: clinical testing. Allele origin: germline.

Breakthrough Genomics
Classification: Likely benign. Review status: criteria provided, single submitter. Criteria: ACMG Guidelines, 2015. Collection method: not provided. Allele origin: germline. Inheritance: Autosomal dominant inheritance. Affected: yes.

Clinical Genetics DNA and cytogenetics Diagnostics Lab, Erasmus MC, Erasmus Medical Center
Classification: Benign. Review status: no assertion criteria provided. Collection method: clinical testing. Allele origin: germline. Affected: yes. Study: VKGL Data-share Consensus. Not counted in ClinVar's aggregate classification.

Dr. Peter K. Rogan Lab, Western University
No classification provided (evidence only). Condition: Ovarian serous cystadenocarcinoma. Review status: no classification provided. Collection method: in vitro. Allele origin: not applicable. Functional consequence: retained intron. Not counted in ClinVar's aggregate classification.

Genome Diagnostics Laboratory, Amsterdam University Medical Center
Classification: Benign. Review status: no assertion criteria provided. Collection method: clinical testing. Allele origin: germline. Affected: yes. Study: VKGL Data-share Consensus. Not counted in ClinVar's aggregate classification.

Literature cited by the submitters: PubMed 24147872 (cited by Illumina Laboratory Services, Illumina); PubMed 11432962 (cited by Illumina Laboratory Services, Illumina).

NM_000088.4(COL1A1):c.3897C>T (p.Cys1299=)

Gene: COL1A1 (collagen type I alpha 1 chain; minus strand). Cytogenetic location: 17q21.33.
Variant type: single nucleotide variant.
Coding change: c.3897C>T on transcript NM_000088.4 (MANE Select); coding-DNA position 3897, C replaced by T.
Protein change: p.Cys1299=; no amino-acid change (cysteine 1299 retained).
Molecular consequence: synonymous variant.
Genome position (GRCh38, 1-based): chr17:50,186,425, G>A on the plus strand (C>T on the coding strand, the complement: COL1A1 is on the minus strand). VCF-style: chr17-50186425-G-A. GRCh37 (hg19) VCF-style: chr17-48263786-G-A.
Other names: p.Cys1299=.
Identifiers: ClinVar variation 35922 (VCV000035922.74), dbSNP rs34940368, ClinGen allele CA260313.